The following is an entry in ClinVar:

ClinVar aggregate classification (germline): Likely pathogenic (1 of 4 stars; one submission).

Conditions:
Gorlin syndrome. Also called: Nevoid Basal Cell Carcinoma Syndrome; Basal cell nevus syndrome. Identifiers: Orphanet 377, MedGen C0004779, MONDO:0007187.

Submission:

Labcorp Genetics (formerly Invitae), Labcorp
Classification: Likely pathogenic for Gorlin syndrome. Last evaluated: 2021-10-15. Review status: criteria provided, single submitter. Criteria: Invitae Variant Classification Sherloc (09022015). Collection method: clinical testing. Allele origin: germline.
Comment: Advanced modeling of protein sequence and biophysical properties (such as structural, functional, and spatial information, amino acid conservation, physicochemical variation, residue mobility, and thermodynamic stability) performed at Invitae indicates that this missense variant is expected to disrupt PTCH1 protein function. This sequence change replaces leucine with arginine at codon 487 of the PTCH1 protein (p.Leu487Arg). The leucine residue is moderately conserved and there is a moderate physicochemical difference between leucine and arginine. This variant is not present in population databases (ExAC no frequency). This missense change has been observed in individual(s) with clinical features of basal cell nevus syndrome (Invitae). It has also been observed to segregate with disease in related individuals. In summary, the currently available evidence indicates that the variant is pathogenic, but additional data are needed to prove that conclusively. Therefore, this variant has been classified as Likely Pathogenic.

NM_000264.5(PTCH1):c.1460T>G (p.Leu487Arg)

Gene: PTCH1 (patched 1; minus strand). Cytogenetic location: 9q22.32.
Variant type: single nucleotide variant.
Coding change: c.1460T>G on transcript NM_000264.5 (MANE Select); coding-DNA position 1460, T replaced by G.
Protein change: p.Leu487Arg; replaces leucine 487 with arginine.
Molecular consequence: missense variant. On other transcripts: non-coding transcript variant (1), intron variant (1).
Genome position (GRCh38, 1-based): chr9:95,477,590, A>C on the plus strand (T>G on the coding strand, the complement: PTCH1 is on the minus strand). VCF-style: chr9-95477590-A-C. GRCh37 (hg19) VCF-style: chr9-98239872-A-C.
Other names: c.1262T>G, p.Leu421Arg (NM_001083602.3); c.1457T>G, p.Leu486Arg (NM_001083603.3); c.1007T>G, p.Leu336Arg (NM_001083604.3, NM_001083605.3, NM_001083606.3 and 1 more transcripts); c.1347+465T>G (NM_001354918.2); short protein forms L421R, L336R, L487R, L486R.
Identifiers: ClinVar variation 1497394 (VCV001497394.6), dbSNP rs2118304794, ClinGen allele CA374118460.